The following is an entry in ClinVar:

NM_002439.5(MSH3):c.3355C>G (p.Leu1119Val)

Gene: MSH3 (mutS homolog 3; plus strand). Cytogenetic location: 5q14.1.
Variant type: single nucleotide variant.
Coding change: c.3355C>G on transcript NM_002439.5 (MANE Select); coding-DNA position 3355, C replaced by G.
Protein change: p.Leu1119Val; replaces leucine 1119 with valine.
Molecular consequence: missense variant.
Genome position (GRCh38, 1-based): chr5:80,875,803, C>G. VCF-style: chr5-80875803-C-G. GRCh37 (hg19) VCF-style: chr5-80171622-C-G.
Other names: short protein forms L1119V.
Identifiers: ClinVar variation 856709 (VCV000856709.10), dbSNP rs1396664221, ClinGen allele CA360347383.

ClinVar aggregate classification (germline): Uncertain significance. Review status: criteria provided, multiple submitters, no conflicts (2 of 4 stars). 2 submissions from 2 submitters: Uncertain significance (2). Last evaluated 2022-10-15.

Conditions:
Hereditary cancer-predisposing syndrome. Also called: Tumor predisposition; Hereditary neoplastic syndrome; Neoplastic Syndromes, Hereditary; Hereditary Cancer Syndrome. Identifiers: Orphanet 140162, MedGen C0027672, MeSH D009386, MONDO:0015356.

gnomAD v4.1: 1 of 1,613,980 alleles (0.000062%); no homozygotes.

Submissions (2):

Ambry Genetics
Classification: Uncertain significance for Hereditary cancer-predisposing syndrome. Last evaluated: 2022-10-15. Review status: criteria provided, single submitter. Criteria: Ambry Variant Classification Scheme 2023. Collection method: clinical testing. Allele origin: germline.
Comment: The p.L1119V variant (also known as c.3355C>G), located in coding exon 24 of the MSH3 gene, results from a C to G substitution at nucleotide position 3355. The leucine at codon 1119 is replaced by valine, an amino acid with highly similar properties. This amino acid position is conserved. In addition, the in silico prediction for this alteration is inconclusive. Since supporting evidence is limited at this time, the clinical significance of this alteration remains unclear.

Labcorp Genetics (formerly Invitae), Labcorp
Classification: Uncertain significance. Last evaluated: 2021-08-16. Review status: criteria provided, single submitter. Criteria: Invitae Variant Classification Sherloc (09022015). Collection method: clinical testing. Allele origin: germline.
Comment: Algorithms developed to predict the effect of missense changes on protein structure and function (SIFT, PolyPhen-2, Align-GVGD) all suggest that this variant is likely to be tolerated, but these predictions have not been confirmed by published functional studies and their clinical significance is uncertain. In summary, the available evidence is currently insufficient to determine the role of this variant in disease. Therefore, it has been classified as a Variant of Uncertain Significance. This variant has not been reported in the literature in individuals with MSH3-related disease. This sequence change replaces leucine with valine at codon 1119 of the MSH3 protein (p.Leu1119Val). The leucine residue is moderately conserved and there is a small physicochemical difference between leucine and valine. This variant is not present in population databases (ExAC no frequency).